The following is an entry in ClinVar:

NM_004523.4(KIF11):c.2178_2181del (p.Met726fs)

Gene: KIF11 (kinesin family member 11; plus strand). Cytogenetic location: 10q23.33.
Variant type: Deletion.
Coding change: c.2178_2181del on transcript NM_004523.4 (MANE Select); coding-DNA positions 2178 to 2181, 4 bases deleted (GAAT; older notation c.2178_2181delGAAT).
Protein change: p.Met726fs; shifts the reading frame from methionine 726.
Molecular consequence: frameshift variant.
Genome position (GRCh38, 1-based): chr10:92,639,811-92,639,814, GAAT deleted; deleting any 4 consecutive bases within chr10:92,639,808-92,639,814 gives the same sequence; the c. name uses the placement nearest the transcript's 3' end. VCF-style (leftmost placement, unchanged base first): chr10-92639807-TAATG-T. GRCh37 (hg19) VCF-style: chr10-94399564-TAATG-T.
Other names: c.2178_2181delGAAT (NM_004523.3); c.2178_2181del (NM_004523.3); short protein forms M726fs.
Identifiers: ClinVar variation 524114 (VCV000524114.8), dbSNP rs1554862423, ClinGen allele CA658797516.

ClinVar aggregate classification (germline): Pathogenic/Likely pathogenic. Review status: criteria provided, multiple submitters, no conflicts (2 of 4 stars). 3 submissions from 3 submitters: Pathogenic (2); Likely pathogenic (1). Last evaluated 2025-11-17.

Conditions:
KIF11-related disorder. Also called: KIF11-related condition.

Submissions (3):

GeneDx
Classification: Pathogenic. Last evaluated: 2025-11-17. Review status: criteria provided, single submitter. Criteria: GeneDx Variant Classification Process June 2021. Collection method: clinical testing. Allele origin: germline. Affected: yes.
Comment: Frameshift variant predicted to result in protein truncation or nonsense mediated decay in a gene for which loss of function is a known mechanism of disease; Not observed at significant frequency in large population cohorts (gnomAD); Has not been previously published as pathogenic or benign to our knowledge

Labcorp Genetics (formerly Invitae), Labcorp
Classification: Pathogenic. Last evaluated: 2025-01-11. Review status: criteria provided, single submitter. Criteria: Invitae Variant Classification Sherloc (09022015). Collection method: clinical testing. Allele origin: germline.
Comment: This sequence change creates a premature translational stop signal (p.Met726Ilefs*35) in the KIF11 gene. It is expected to result in an absent or disrupted protein product. Loss-of-function variants in KIF11 are known to be pathogenic (PMID: 22284827, 24281367). This variant is not present in population databases (gnomAD no frequency). This variant has not been reported in the literature in individuals affected with KIF11-related conditions. ClinVar contains an entry for this variant (Variation ID: 524114). For these reasons, this variant has been classified as Pathogenic.

Blueprint Genetics
Classification: Likely pathogenic for KIF11-related disorders. Last evaluated: 2020-04-07. Review status: criteria provided, single submitter. Criteria: ACMG Guidelines, 2015. Collection method: clinical testing. Allele origin: germline. Affected: yes. Observed: 1 variant allele.

Literature cited by the submitters: PubMed 22284827 (cited by Labcorp Genetics (formerly Invitae), Labcorp); PubMed 24281367 (cited by Labcorp Genetics (formerly Invitae), Labcorp).